The following is an entry in ClinVar:

NM_003098.3(SNTA1):c.220C>T (p.Pro74Ser)

Gene: SNTA1 (syntrophin alpha 1; minus strand). Cytogenetic location: 20q11.21.
Variant type: single nucleotide variant.
Coding change: c.220C>T on transcript NM_003098.3 (MANE Select); coding-DNA position 220, C replaced by T.
Protein change: p.Pro74Ser; replaces proline 74 with serine.
Molecular consequence: missense variant.
Genome position (GRCh38, 1-based): chr20:33,443,401, G>A on the plus strand (C>T on the coding strand, the complement: SNTA1 is on the minus strand). VCF-style: chr20-33443401-G-A. GRCh37 (hg19) VCF-style: chr20-32031207-G-A.
Other names: short protein forms P74S.
Identifiers: ClinVar variation 2078745 (VCV002078745.6), dbSNP rs1191500220, ClinGen allele CA408634135.

ClinVar aggregate classification (germline): Uncertain significance. Review status: criteria provided, multiple submitters, no conflicts (2 of 4 stars). 2 submissions from 2 submitters: Uncertain significance (2). Last evaluated 2025-08-10.

Conditions:
Cardiovascular phenotype. Identifiers: MedGen CN230736.
Long QT syndrome (LQTS). Identifiers: MedGen C0023976, MeSH D008133, MONDO:0002442. Disease mechanism: loss of function. Inheritance: Various modes of inheritance.

Allele frequency attached by ClinVar (database versions not stated): TOPMed below 0.00001.

Submissions (2):

Ambry Genetics
Classification: Uncertain significance for Cardiovascular phenotype. Last evaluated: 2025-08-10. Review status: criteria provided, single submitter. Criteria: Ambry Variant Classification Scheme 2023. Collection method: clinical testing. Allele origin: germline.

Labcorp Genetics (formerly Invitae), Labcorp
Classification: Uncertain significance for Long QT syndrome. Last evaluated: 2023-11-19. Review status: criteria provided, single submitter. Criteria: Invitae Variant Classification Sherloc (09022015). Collection method: clinical testing. Allele origin: germline.
Comment: This sequence change replaces proline, which is neutral and non-polar, with serine, which is neutral and polar, at codon 74 of the SNTA1 protein (p.Pro74Ser). This variant is not present in population databases (gnomAD no frequency). This variant has not been reported in the literature in individuals affected with SNTA1-related conditions. ClinVar contains an entry for this variant (Variation ID: 2078745). Advanced modeling of protein sequence and biophysical properties (such as structural, functional, and spatial information, amino acid conservation, physicochemical variation, residue mobility, and thermodynamic stability) performed at Invitae indicates that this missense variant is not expected to disrupt SNTA1 protein function with a negative predictive value of 80%. In summary, the available evidence is currently insufficient to determine the role of this variant in disease. Therefore, it has been classified as a Variant of Uncertain Significance.